The following is an entry in ClinVar:

NM_015346.4(ZFYVE26):c.6884_6885del (p.Ala2295fs)

Gene: ZFYVE26 (zinc finger FYVE-type containing 26; minus strand). Cytogenetic location: 14q24.1.
Variant type: Deletion.
Coding change: c.6884_6885del on transcript NM_015346.4 (MANE Select); coding-DNA positions 6884 to 6885, 2 bases deleted (CC; older notation c.6884_6885delCC).
Protein change: p.Ala2295fs; shifts the reading frame from alanine 2295.
Molecular consequence: frameshift variant.
Genome position (GRCh38, 1-based): chr14:67,755,152-67,755,153, GG deleted on the plus strand (CC on the coding strand, the reverse complement: ZFYVE26 is on the minus strand). VCF-style (leftmost placement, unchanged base first): chr14-67755151-TGG-T. GRCh37 (hg19) VCF-style: chr14-68221868-TGG-T.
Other names: short protein forms A2295fs.
Identifiers: ClinVar variation 1724503 (VCV001724503.2), dbSNP rs2503941161, ClinGen allele CA2580088654.

ClinVar aggregate classification (germline): Likely pathogenic (1 of 4 stars; one submission).

Conditions:
Hereditary spastic paraplegia 15 (SPG15). Also called: SPASTIC PARAPLEGIA 15, AUTOSOMAL RECESSIVE; KJELLIN SYNDROME; SPASTIC PARAPLEGIA AND RETINAL DEGENERATION. Identifiers: Orphanet 100996, MedGen C1849128, MONDO:0010044, OMIM 270700.

Submission:

Myriad Genetics, Inc.
Classification: Likely pathogenic for Hereditary spastic paraplegia 15. Last evaluated: 2022-02-17. Review status: criteria provided, single submitter. Criteria: Myriad Women's Health Autosomal Recessive and X-Linked Classification Criteria (2021). Collection method: clinical testing. Allele origin: unknown.
Comment: NM_015346.3(ZFYVE26):c.6884_6885delCC(A2295Efs*31) is expected to be pathogenic in the context of spastic paraplegia type 15. This variant is predicted to lead to an abnormal or absent protein product due to the creation of a premature termination codon in ZFYVE26, a gene where loss-of-function variants are known to be pathogenic. Please note: this variant was assessed in the context of healthy population screening.